The following is an entry in ClinVar:

NM_000143.4(FH):c.141A>G (p.Gln47=)

Gene: FH (fumarate hydratase; minus strand). Cytogenetic location: 1q43.
Variant type: single nucleotide variant.
Coding change: c.141A>G on transcript NM_000143.4 (MANE Select); coding-DNA position 141, A replaced by G.
Protein change: p.Gln47=; no amino-acid change (glutamine 47 retained).
Molecular consequence: synonymous variant.
Genome position (GRCh38, 1-based): chr1:241,517,308, T>C on the plus strand (A>G on the coding strand, the complement: FH is on the minus strand). VCF-style: chr1-241517308-T-C. GRCh37 (hg19) VCF-style: chr1-241680608-T-C.
Identifiers: ClinVar variation 702399 (VCV000702399.14), dbSNP rs1573888563, ClinGen allele CA424076627.

ClinVar aggregate classification (germline): Benign/Likely benign. Review status: criteria provided, multiple submitters, no conflicts (2 of 4 stars). 3 submissions from 3 submitters: Benign (1); Likely benign (2). Last evaluated 2025-08-24.

Conditions:
Hereditary cancer-predisposing syndrome. Also called: Neoplastic Syndromes, Hereditary; Hereditary Cancer Syndrome; Hereditary neoplastic syndrome; Tumor predisposition. Identifiers: Orphanet 140162, MedGen C0027672, MeSH D009386, MONDO:0015356.
Hereditary leiomyomatosis and renal cell cancer. Also called: Familial leiomyomatosis; Reed syndrome; Multiple cutaneous and uterine leiomyomatosis; Cutaneous leiomyomata with uterine leiomyomata; Leiomyoma, hereditary multiple, of skin; Multiple cutaneous and uterine leiomyomata. Identifiers: Orphanet 523, MedGen C1708350, MONDO:0007888, OMIM 150800, HP:0007437. Disease mechanism: loss of function.

Allele frequency attached by ClinVar (database versions not stated): TOPMed below 0.00001.
gnomAD v4.1: 2 of 1,614,104 alleles (0.00012%); highest among the groups gnomAD compares: South Asian, 0.0011%; no homozygotes.

Submissions (3):

Labcorp Genetics (formerly Invitae), Labcorp
Classification: Likely benign. Last evaluated: 2025-08-24. Review status: criteria provided, single submitter. Criteria: Invitae Variant Classification Sherloc (09022015). Collection method: clinical testing. Allele origin: germline.

Myriad Genetics, Inc.
Classification: Benign for Hereditary leiomyomatosis and renal cell cancer. Last evaluated: 2024-10-17. Review status: criteria provided, single submitter. Criteria: Myriad Autosomal Dominant, Autosomal Recessive and X-Linked Classification Criteria (2023). Collection method: clinical testing. Allele origin: unknown.
Comment: This variant is considered benign. This variant is a silent/synonymous amino acid change and it is not expected to impact splicing.

Ambry Genetics
Classification: Likely benign for Hereditary cancer-predisposing syndrome. Last evaluated: 2019-08-27. Review status: criteria provided, single submitter. Criteria: Ambry Variant Classification Scheme 2023. Collection method: clinical testing. Allele origin: germline.